The following is an entry in ClinVar:

ClinVar aggregate classification (germline): Benign (1 of 4 stars; one submission).

Allele frequency attached by ClinVar (database versions not stated): 1000 Genomes Project 30x 0.00016; 1000 Genomes Project 0.00020; ExAC 0.00109; gnomAD 0.00115; TOPMed 0.00128; ESP Exome Variant Server 0.00154; gnomAD exomes 0.00204.
gnomAD v4.1: 3,141 of 1,614,158 alleles (0.19%); highest among the groups gnomAD compares: Non-Finnish European, 0.25%; 11 homozygotes.

Submission:

CeGaT Center for Human Genetics Tuebingen
Classification: Benign. Last evaluated: 2023-11-01. Review status: criteria provided, single submitter. Criteria: CeGaT Center For Human Genetics Tuebingen Variant Classification Criteria Version 2. Collection method: clinical testing. Allele origin: germline. Affected: yes. Observed: 1 variant allele.
Comment: BCL9: BS1, BS2

NM_004326.4(BCL9):c.3674G>A (p.Arg1225Gln)

Gene: BCL9 (BCL9 transcription coactivator; plus strand). Cytogenetic location: 1q21.2.
Variant type: single nucleotide variant.
Coding change: c.3674G>A on transcript NM_004326.4 (MANE Select); coding-DNA position 3674, G replaced by A.
Protein change: p.Arg1225Gln; replaces arginine 1225 with glutamine.
Molecular consequence: missense variant.
Genome position (GRCh38, 1-based): chr1:147,624,352, G>A. VCF-style: chr1-147624352-G-A. GRCh37 (hg19) VCF-style: chr1-147096153-G-A.
Other names: short protein forms R1225Q.
Identifiers: ClinVar variation 2672347 (VCV002672347.23), dbSNP rs113081863, ClinGen allele CA1065064.